The following is an entry in ClinVar:

ClinVar aggregate classification (germline): Uncertain significance (1 of 4 stars; one submission).

Allele frequency attached by ClinVar (database versions not stated): gnomAD exomes 0.00002; ExAC 0.00004; ESP Exome Variant Server 0.00008; 1000 Genomes Project 30x 0.00016; gnomAD 0.00017; 1000 Genomes Project 0.00020; TOPMed 0.00020.
gnomAD v4.1: 53 of 1,614,128 alleles (0.0033%); highest among the groups gnomAD compares: African/African-American, 0.053%; no homozygotes.

Submission:

Labcorp Genetics (formerly Invitae), Labcorp
Classification: Uncertain significance. Last evaluated: 2024-10-25. Review status: criteria provided, single submitter. Criteria: Invitae Variant Classification Sherloc (09022015). Collection method: clinical testing. Allele origin: germline.
Comment: This sequence change replaces asparagine, which is neutral and polar, with serine, which is neutral and polar, at codon 1460 of the TTC37 protein (p.Asn1460Ser). This variant is present in population databases (rs372709681, gnomAD 0.06%). This variant has not been reported in the literature in individuals affected with TTC37-related conditions. ClinVar contains an entry for this variant (Variation ID: 2080224). An algorithm developed to predict the effect of missense changes on protein structure and function outputs the following: PolyPhen-2: "Benign". The serine amino acid residue is found in multiple mammalian species, which suggests that this missense change does not adversely affect protein function. In summary, the available evidence is currently insufficient to determine the role of this variant in disease. Therefore, it has been classified as a Variant of Uncertain Significance.

NM_014639.4(SKIC3):c.4379A>G (p.Asn1460Ser)

Gene: SKIC3 (SKI3 subunit of superkiller complex; minus strand). Cytogenetic location: 5q15.
Variant type: single nucleotide variant.
Coding change: c.4379A>G on transcript NM_014639.4 (MANE Select); coding-DNA position 4379, A replaced by G.
Protein change: p.Asn1460Ser; replaces asparagine 1460 with serine.
Molecular consequence: missense variant.
Genome position (GRCh38, 1-based): chr5:95,469,897, T>C on the plus strand (A>G on the coding strand, the complement: SKIC3 is on the minus strand). VCF-style: chr5-95469897-T-C. GRCh37 (hg19) VCF-style: chr5-94805601-T-C.
Other names: short protein forms N1460S.
Identifiers: ClinVar variation 2080224 (VCV002080224.2), dbSNP rs372709681, ClinGen allele CA3346401.